The following is an entry in ClinVar:

NM_012275.3(IL36RN):c.436A>G (p.Ile146Val)

Gene: IL36RN (interleukin 36 receptor antagonist; plus strand). Cytogenetic location: 2q14.1.
Variant type: single nucleotide variant.
Coding change: c.436A>G on transcript NM_012275.3 (MANE Select); coding-DNA position 436, A replaced by G.
Protein change: p.Ile146Val; replaces isoleucine 146 with valine.
Molecular consequence: missense variant.
Genome position (GRCh38, 1-based): chr2:113,062,645, A>G. VCF-style: chr2-113062645-A-G. GRCh37 (hg19) VCF-style: chr2-113820222-A-G.
Other names: p.Ile146Val; c.436A>G, p.Ile146Val (NM_173170.1); short protein forms I146V.
Identifiers: ClinVar variation 529886 (VCV000529886.21), dbSNP rs202059991, ClinGen allele CA1838465.

ClinVar aggregate classification (germline): Conflicting classifications of pathogenicity. Review status: criteria provided, conflicting classifications (1 of 4 stars). 4 submissions from 4 submitters: Uncertain significance (2); Likely benign (2). Last evaluated 2026-01-18.

Conditions:
Deficiency of the interleukin-36 receptor antagonist. Identifiers: Orphanet 404546, MedGen C4759670, MONDO:0018452.
IL36RN-related disorder. Also called: IL36RN-related condition.
Generalized pustular psoriasis. Identifiers: Orphanet 247353, MedGen C0343055, MONDO:0100491.

Allele frequency attached by ClinVar (database versions not stated): TOPMed 0.00006; gnomAD 0.00007; ESP Exome Variant Server 0.00008; gnomAD exomes 0.00008 and 0.00015; ExAC 0.00014.
gnomAD v4.1: 126 of 1,612,534 alleles (0.0078%); highest among the groups gnomAD compares: Non-Finnish European, 0.0034%; no homozygotes.

Submissions (4):

Labcorp Genetics (formerly Invitae), Labcorp
Classification: Likely benign for Generalized pustular psoriasis. Last evaluated: 2026-01-18. Review status: criteria provided, single submitter. Criteria: Invitae Variant Classification Sherloc (09022015). Collection method: clinical testing. Allele origin: germline.

PreventionGenetics, part of Exact Sciences
Classification: Likely benign for IL36RN-related condition. Last evaluated: 2024-12-19. Review status: criteria provided, single submitter. Criteria: ACMG Guidelines, 2015. Collection method: clinical testing. Allele origin: germline.
Comment: This variant is classified as likely benign based on ACMG/AMP sequence variant interpretation guidelines (Richards et al. 2015 PMID: 25741868, with internal and published modifications).

Mayo Clinic Laboratories, Mayo Clinic
Classification: Uncertain significance. Last evaluated: 2024-10-14. Review status: criteria provided, single submitter. Criteria: ACMG Guidelines, 2015. Collection method: clinical testing. Allele origin: germline. Observed: 2 variant alleles.
Comment: BP4

Illumina Laboratory Services, Illumina
Classification: Uncertain significance for Acrodermatitis continua suppurativa of Hallopeau. Last evaluated: 2018-01-13. Review status: criteria provided, single submitter. Criteria: ICSL Variant Classification Criteria 13 December 2019. Collection method: clinical testing. Allele origin: germline.

Literature cited by the submitters: PubMed 37414245 (cited by Mayo Clinic Laboratories, Mayo Clinic).